The following is an entry in ClinVar:

NM_003119.4(SPG7):c.1897C>T (p.Arg633Trp)

Gene: SPG7 (SPG7 matrix AAA peptidase subunit, paraplegin; plus strand). Cytogenetic location: 16q24.3.
Variant type: single nucleotide variant.
Coding change: c.1897C>T on transcript NM_003119.4 (MANE Select); coding-DNA position 1897, C replaced by T.
Protein change: p.Arg633Trp; replaces arginine 633 with tryptophan.
Molecular consequence: missense variant.
Genome position (GRCh38, 1-based): chr16:89,553,096, C>T. VCF-style: chr16-89553096-C-T. GRCh37 (hg19) VCF-style: chr16-89619504-C-T.
Other names: c.1897C>T, p.Arg633Trp (NM_001363850.1); short protein forms R633W.
Identifiers: ClinVar variation 1344131 (VCV001344131.6), dbSNP rs1350253332, ClinGen allele CA397432831.

ClinVar aggregate classification (germline): Uncertain significance. Review status: criteria provided, multiple submitters, no conflicts (2 of 4 stars). 2 submissions from 2 submitters: Uncertain significance (2). Last evaluated 2022-05-22.

Conditions:
Hereditary spastic paraplegia 7 (SPG7). Also called: Spastic paraplegia 7; Hereditary spastic paraplegia Paraplegin type; SPASTIC PARAPLEGIA 7, AUTOSOMAL RECESSIVE, WITH OR WITHOUT CEREBELLAR ATAXIA; Autosomal recessive spastic paraplegia type 7; SPG7-related neurologic disorder. Identifiers: Orphanet 99013, MedGen C1846564, MONDO:0011803, OMIM 607259.
Hereditary spastic paraplegia. Also called: Familial spastic paraparesis. Identifiers: Orphanet 685, MedGen C0037773, MONDO:0019064. Disease mechanism: loss of function.

Allele frequency attached by ClinVar (database versions not stated): gnomAD exomes 0.00001.

Submissions (2):

Labcorp Genetics (formerly Invitae), Labcorp
Classification: Uncertain significance for Hereditary spastic paraplegia 7. Last evaluated: 2022-05-22. Review status: criteria provided, single submitter. Criteria: Invitae Variant Classification Sherloc (09022015). Collection method: clinical testing. Allele origin: germline.
Comment: This sequence change replaces arginine, which is basic and polar, with tryptophan, which is neutral and slightly polar, at codon 633 of the SPG7 protein (p.Arg633Trp). This variant is not present in population databases (gnomAD no frequency). This variant has not been reported in the literature in individuals affected with SPG7-related conditions. Advanced modeling of protein sequence and biophysical properties (such as structural, functional, and spatial information, amino acid conservation, physicochemical variation, residue mobility, and thermodynamic stability) performed at Invitae indicates that this missense variant is expected to disrupt SPG7 protein function. In summary, the available evidence is currently insufficient to determine the role of this variant in disease. Therefore, it has been classified as a Variant of Uncertain Significance.

Genome Diagnostics Laboratory, The Hospital for Sick Children
Classification: Uncertain significance for Hereditary spastic paraplegia. Last evaluated: 2016-12-12. Review status: criteria provided, single submitter. Criteria: ACMG Guidelines, 2015. Collection method: clinical testing. Allele origin: germline. Affected: yes.